The following is an entry in ClinVar:

ClinVar aggregate classification (germline): Conflicting classifications of pathogenicity. Review status: criteria provided, conflicting classifications (1 of 4 stars). 3 submissions from 3 submitters: Likely pathogenic (2); Uncertain significance (1). Last evaluated 2026-02-12.

Conditions:
Perrault syndrome. Also called: Gonadal dysgenesis with auditory dysfunction, autosomal recessive inheritance. Identifiers: Orphanet 2855, MedGen C0685838, MONDO:0017312.
Bifunctional peroxisomal enzyme deficiency (DBIF). Also called: PBFE DEFICIENCY; D-bifunctional protein deficiency; DBP DEFICIENCY. Identifiers: Orphanet 300, MedGen C0342870, MONDO:0009855, OMIM 261515. Disease mechanism: loss of function.

Allele frequency attached by ClinVar (database versions not stated): gnomAD exomes below 0.00001 and 0.00001; ExAC 0.00001; TOPMed 0.00003; gnomAD 0.00004; ESP Exome Variant Server 0.00008.
gnomAD v4.1: 10 of 1,603,764 alleles (0.00062%); highest among the groups gnomAD compares: African/African-American, 0.0013%; no homozygotes.

Submissions (3):

Myriad Genetics, Inc.
Classification: Uncertain significance for Bifunctional peroxisomal enzyme deficiency. Last evaluated: 2026-02-12. Review status: criteria provided, single submitter. Criteria: Myriad Autosomal Dominant, Autosomal Recessive and X-Linked Classification Criteria (2023). Collection method: clinical testing. Allele origin: unknown.
Comment: NM_000414.3(HSD17B4):c.1216C>T(H406Y) is a missense variant classified as a variant of uncertain significance in the context of HSD17B4-related disorders. H406Y has not been observed in cases with relevant disease. Relevant functional assessments of this variant are not available in the literature. H406Y has been observed in referenced population frequency databases. In summary, there is insufficient evidence to classify NM_000414.3(HSD17B4):c.1216C>T(H406Y) as pathogenic or benign. Please note: this variant was assessed in the context of healthy population screening.

GeneDx
Classification: Likely pathogenic. Last evaluated: 2025-10-02. Review status: criteria provided, single submitter. Criteria: GeneDx Variant Classification Process June 2021. Collection method: clinical testing. Allele origin: germline. Affected: yes.
Comment: In silico analysis supports that this missense variant has a deleterious effect on protein structure/function; Has not been previously published as pathogenic or benign to our knowledge; Not observed at significant frequency in large population cohorts (gnomAD)

Labcorp Genetics (formerly Invitae), Labcorp
Classification: Likely pathogenic for Perrault syndrome; Bifunctional peroxisomal enzyme deficiency. Last evaluated: 2024-11-11. Review status: criteria provided, single submitter. Criteria: Invitae Variant Classification Sherloc (09022015). Collection method: clinical testing. Allele origin: germline.
Comment: This sequence change replaces histidine, which is basic and polar, with tyrosine, which is neutral and polar, at codon 406 of the HSD17B4 protein (p.His406Tyr). This variant is present in population databases (rs371585154, gnomAD 0.004%). This missense change has been observed in individual(s) with clinical features of HSD17B4-related conditions (external communication). In at least one individual the data is consistent with being in trans (on the opposite chromosome) from a pathogenic variant. ClinVar contains an entry for this variant (Variation ID: 1687658). Invitae Evidence Modeling of protein sequence and biophysical properties (such as structural, functional, and spatial information, amino acid conservation, physicochemical variation, residue mobility, and thermodynamic stability) indicates that this missense variant is expected to disrupt HSD17B4 protein function with a positive predictive value of 95%. In summary, the currently available evidence indicates that the variant is pathogenic, but additional data are needed to prove that conclusively. Therefore, this variant has been classified as Likely Pathogenic.

NM_000414.4(HSD17B4):c.1216C>T (p.His406Tyr)

Gene: HSD17B4 (hydroxysteroid 17-beta dehydrogenase 4; plus strand). Cytogenetic location: 5q23.1.
Variant type: single nucleotide variant.
Coding change: c.1216C>T on transcript NM_000414.4 (MANE Select); coding-DNA position 1216, C replaced by T.
Protein change: p.His406Tyr; replaces histidine 406 with tyrosine.
Molecular consequence: missense variant. On other transcripts: non-coding transcript variant (2).
Genome position (GRCh38, 1-based): chr5:119,502,047, C>T. VCF-style: chr5-119502047-C-T. GRCh37 (hg19) VCF-style: chr5-118837742-C-T.
Other names: c.1291C>T, p.His431Tyr (NM_001199291.3); c.1162C>T, p.His388Tyr (NM_001199292.2); c.1144C>T, p.His382Tyr (NM_001292027.2); c.796C>T, p.His266Tyr (NM_001292028.2); c.1207C>T, p.His403Tyr (NM_001374497.1); c.1216C>T, p.His406Tyr (NM_001374498.1); c.889C>T, p.His297Tyr (NM_001374499.1); c.775C>T, p.His259Tyr (NM_001374500.1); and 1 more; short protein forms H259Y, H266Y, H269Y, H297Y, H382Y, H388Y, H403Y, H406Y.
Identifiers: ClinVar variation 1687658 (VCV001687658.7), dbSNP rs371585154, ClinGen allele CA3382136.